The following is an entry in ClinVar:

ClinVar aggregate classification (germline): Uncertain significance. Review status: criteria provided, multiple submitters, no conflicts (2 of 4 stars). 2 submissions from 2 submitters: Uncertain significance (2). Last evaluated 2025-04-15.

Conditions:
Hereditary cancer-predisposing syndrome. Also called: Hereditary Cancer Syndrome; Hereditary neoplastic syndrome; Neoplastic Syndromes, Hereditary; Tumor predisposition. Identifiers: Orphanet 140162, MedGen C0027672, MeSH D009386, MONDO:0015356.
Hereditary breast ovarian cancer syndrome. Also called: Hereditary breast and ovarian cancer syndrome (HBOC); Hereditary breast and ovarian cancer syndrome; Breast and ovarian cancer; Hereditary breast and/or ovarian cancer syndrome; Hereditary breast and ovarian cancer; BRCA1- and BRCA2-Associated Hereditary Breast and Ovarian Cancer. Identifiers: Orphanet 145, MedGen C0677776, MeSH D061325, MONDO:0003582. Disease mechanism: loss of function.

Submissions (2):

Labcorp Genetics (formerly Invitae), Labcorp
Classification: Uncertain significance for Hereditary breast ovarian cancer syndrome. Last evaluated: 2025-04-15. Review status: criteria provided, single submitter. Criteria: Invitae Variant Classification Sherloc (09022015). Collection method: clinical testing. Allele origin: germline.
Comment: This sequence change replaces proline, which is neutral and non-polar, with leucine, which is neutral and non-polar, at codon 142 of the BRCA1 protein (p.Pro142Leu). This variant is not present in population databases (gnomAD no frequency). This variant has not been reported in the literature in individuals affected with BRCA1-related conditions. ClinVar contains an entry for this variant (Variation ID: 1739155). Invitae Evidence Modeling of protein sequence and biophysical properties (such as structural, functional, and spatial information, amino acid conservation, physicochemical variation, residue mobility, and thermodynamic stability) indicates that this missense variant is not expected to disrupt BRCA1 protein function with a negative predictive value of 80%. In summary, the available evidence is currently insufficient to determine the role of this variant in disease. Therefore, it has been classified as a Variant of Uncertain Significance.

Ambry Genetics
Classification: Uncertain significance for Hereditary cancer-predisposing syndrome. Last evaluated: 2016-01-05. Review status: criteria provided, single submitter. Criteria: Ambry Variant Classification Scheme 2023. Collection method: clinical testing. Allele origin: germline.
Comment: The p.P142L variant (also known as c.425C>T), located in coding exon 5 of the BRCA1 gene, results from a C to T substitution at nucleotide position 425. The proline at codon 142 is replaced by leucine, an amino acid with similar properties. This variant was not reported in population based cohorts in the following databases: Database of Single Nucleotide Polymorphisms (dbSNP), NHLBI Exome Sequencing Project (ESP), and 1000 Genomes Project. In the ESP, this variant was not observed in 6503 samples (13006 alleles) with coverage at this position. To date, this alteration has been detected with an allele frequency of approximately 0.0004% (greater than 225000 alleles tested) in our clinical cohort. This amino acid position is not well conserved in available vertebrate species. In addition, the in silico prediction for this alteration is inconclusive. Since supporting evidence is limited at this time, the clinical significance of p.P142L remains unclear.

NM_007294.4(BRCA1):c.425C>T (p.Pro142Leu)

Gene: BRCA1 (BRCA1 DNA repair associated; minus strand). Cytogenetic location: 17q21.31.
Variant type: single nucleotide variant.
Coding change: c.425C>T on transcript NM_007294.4 (MANE Select); coding-DNA position 425, C replaced by T.
Protein change: p.Pro142Leu; replaces proline 142 with leucine.
Molecular consequence: missense variant. On other transcripts: non-coding transcript variant (1).
Genome position (GRCh38, 1-based): chr17:43,104,138, G>A on the plus strand (C>T on the coding strand, the complement: BRCA1 is on the minus strand). VCF-style: chr17-43104138-G-A. GRCh37 (hg19) VCF-style: chr17-41256155-G-A.
Other names: c.425C>T, p.Pro142Leu (NM_001408434.1, NM_001408435.1, NM_001408438.1 and 165 more transcripts); c.215C>T, p.Pro72Leu (NM_001407896.1, NM_001407897.1, NM_001407900.1 and 58 more transcripts); c.416C>T, p.Pro139Leu (NM_001408408.1, NM_001407646.1, NM_001407647.1); c.347C>T, p.Pro116Leu (NM_001408409.1, NM_001408411.1, NM_001408412.1 and 21 more transcripts); c.284C>T, p.Pro95Leu (NM_001408410.1, NM_001408452.1, NM_001408453.1 and 99 more transcripts); c.293C>T, p.Pro98Leu (NM_001408451.1); c.44C>T, p.Pro15Leu (NM_001408510.1, NM_001408512.1, NM_001407959.1 and 4 more transcripts); short protein forms P139L, P142L, P72L, P15L, P95L, P116L, P98L.
Identifiers: ClinVar variation 1739155 (VCV001739155.3), dbSNP rs55971303, ClinGen allele CA10601295.